The following is an entry in ClinVar:

NM_004370.6(COL12A1):c.4954_4957+2dup

Gene: COL12A1 (collagen type XII alpha 1 chain; minus strand). Cytogenetic location: 6q13.
Variant type: Duplication.
Coding change: c.4954_4957+2dup on transcript NM_004370.6 (MANE Select); coding-DNA position 4954 through the canonical splice donor site of the intron after coding-DNA position 4957, 6 bases duplicated (ACCCGT; older notation c.4954_4957+2dupACCCGT).
Molecular consequence: splice donor variant.
Genome position (GRCh38, 1-based): chr6:75,142,030-75,142,035, ACGGGT duplicated on the plus strand (ACCCGT on the coding strand, the reverse complement: COL12A1 is on the minus strand); duplicating any 6 consecutive bases within chr6:75,142,030-75,142,036 gives the same sequence; the c. name uses the placement nearest the transcript's 3' end. VCF-style (leftmost placement, unchanged base first): chr6-75142029-C-CACGGGT. GRCh37 (hg19) VCF-style: chr6-75851745-C-CACGGGT.
Other names: c.1462_1465+2dup (NM_001424116.1, NM_080645.3); c.4681_4684+2dup (NM_001424115.1); c.4954_4957+2dup (NM_001424114.1, NM_001424113.1).
Identifiers: ClinVar variation 2941185 (VCV002941185.3), dbSNP rs2533337218, ClinGen allele CA2740091445.

ClinVar aggregate classification (germline): Uncertain significance (1 of 4 stars; one submission).

Conditions:
Ullrich congenital muscular dystrophy 2 (UCMD2). Identifiers: Orphanet 75840, MedGen C4225314, MONDO:0014654, OMIM 616470.
Bethlem myopathy 2 (BTHLM2). Identifiers: Orphanet 536516, Orphanet 610, MedGen C4225313, MONDO:0034022, OMIM 616471.

Submission:

Labcorp Genetics (formerly Invitae), Labcorp
Classification: Uncertain significance for Bethlem myopathy 2; Ullrich congenital muscular dystrophy 2. Last evaluated: 2022-11-01. Review status: criteria provided, single submitter. Criteria: Invitae Variant Classification Sherloc (09022015). Collection method: clinical testing. Allele origin: germline.
Comment: This sequence change falls in intron 27 of the COL12A1 gene. It does not directly change the encoded amino acid sequence of the COL12A1 protein. It affects a nucleotide within the consensus splice site. This variant is not present in population databases (gnomAD no frequency). This variant has not been reported in the literature in individuals affected with COL12A1-related conditions. Experimental studies and prediction algorithms are not available or were not evaluated, and the functional significance of this variant is currently unknown. Variants that disrupt the consensus splice site are a relatively common cause of aberrant splicing (PMID: 17576681, 9536098). Algorithms developed to predict the effect of sequence changes on RNA splicing suggest that this variant may disrupt the consensus splice site. In summary, the available evidence is currently insufficient to determine the role of this variant in disease. Therefore, it has been classified as a Variant of Uncertain Significance.

Literature cited by the submitters: PubMed 17576681; PubMed 9536098.